The following is an entry in ClinVar:

NM_000275.3(OCA2):c.796C>T (p.Arg266Trp)

Gene: OCA2 (OCA2 melanosomal transmembrane protein; minus strand). Cytogenetic location: 15q13.1.
Variant type: single nucleotide variant.
Coding change: c.796C>T on transcript NM_000275.3 (MANE Select); coding-DNA position 796, C replaced by T.
Protein change: p.Arg266Trp; replaces arginine 266 with tryptophan.
Molecular consequence: missense variant.
Genome position (GRCh38, 1-based): chr15:28,018,408, G>A on the plus strand (C>T on the coding strand, the complement: OCA2 is on the minus strand). VCF-style: chr15-28018408-G-A. GRCh37 (hg19) VCF-style: chr15-28263554-G-A.
Other names: c.796C>T, p.Arg266Trp (NM_001300984.2); short protein forms R266W.
Identifiers: ClinVar variation 255731 (VCV000255731.42), dbSNP rs33929465, ClinGen allele CA7439355.

ClinVar aggregate classification (germline): Benign/Likely benign. Review status: criteria provided, multiple submitters, no conflicts (2 of 4 stars). 7 submissions from 7 submitters: Benign (3); Likely benign (4). Last evaluated 2026-03-01.

Conditions:
SKIN/HAIR/EYE PIGMENTATION 1, BLUE/NONBLUE EYES (SHEP1). Also called: EYE COLOR 3; EYE COLOR, BLUE/NONBLUE; EYE COLOR, BROWN/BLUE; HAIR COLOR 3; SKIN/HAIR/EYE PIGMENTATION 1, BLOND/BROWN HAIR; SKIN/HAIR/EYE PIGMENTATION 1, BLUE/BROWN EYES. Identifiers: MedGen C1856895, OMIM 227220.
Tyrosinase-positive oculocutaneous albinism (OCA2). Also called: ALBINISM II; Oculocutaneous albinism type 2; Albinism, oculocutaneous, type II. Identifiers: Orphanet 79432, MedGen C0268495, MONDO:0008746, OMIM 203200.

Allele frequency attached by ClinVar (database versions not stated): gnomAD exomes 0.00303 and 0.00460; ExAC 0.00527; TOPMed 0.00847; gnomAD 0.00870 and 0.00876; ESP Exome Variant Server 0.00984; 1000 Genomes Project 0.01498; 1000 Genomes Project 30x 0.01640.
gnomAD v4.1: 5,819 of 1,613,918 alleles (0.36%); highest among the groups gnomAD compares: African/African-American, 2.6%; 55 homozygotes.

Submissions (7):

CeGaT Center for Human Genetics Tuebingen
Classification: Benign. Last evaluated: 2026-03-01. Review status: criteria provided, single submitter. Criteria: CeGaT Center For Human Genetics Tuebingen Variant Classification Criteria Version 2. Collection method: clinical testing. Allele origin: germline. Affected: yes. Observed: 6 variant alleles.
Comment: OCA2: BP4, BS1, BS2

Labcorp Genetics (formerly Invitae), Labcorp
Classification: Benign. Last evaluated: 2026-02-02. Review status: criteria provided, single submitter. Criteria: Invitae Variant Classification Sherloc (09022015). Collection method: clinical testing. Allele origin: germline.

Fulgent Genetics
Classification: Likely benign for Tyrosinase-positive oculocutaneous albinism; SKIN/HAIR/EYE PIGMENTATION 1, BLUE/NONBLUE EYES. Last evaluated: 2022-02-22. Review status: criteria provided, single submitter. Criteria: ACMG Guidelines, 2015. Collection method: clinical testing. Allele origin: unknown.

GeneDx
Classification: Likely benign. Last evaluated: 2019-08-23. Review status: criteria provided, single submitter. Criteria: GeneDx Variant Classification Process June 2021. Collection method: clinical testing. Allele origin: germline. Affected: yes.
Comment: See Variant Classification Assertion Criteria.

Illumina Laboratory Services, Illumina
Classification: Likely benign for Tyrosinase-positive oculocutaneous albinism. Last evaluated: 2017-04-27. Review status: criteria provided, single submitter. Criteria: ICSL Variant Classification Criteria 13 December 2019. Collection method: clinical testing. Allele origin: germline.
Comment: This variant was observed as part of a predisposition screen in an ostensibly healthy population. A literature search was performed for the gene, cDNA change, and amino acid change (where applicable). No publications were found based on this search. Allele frequency data from public databases allowed determination this variant is unlikely to cause disease. Therefore, this variant is classified as likely benign.

Breakthrough Genomics
Classification: Likely benign. Review status: criteria provided, single submitter. Criteria: ACMG Guidelines, 2015. Collection method: not provided. Allele origin: germline. Inheritance: Autosomal recessive inheritance. Affected: yes.

PreventionGenetics, part of Exact Sciences
Classification: Benign. Review status: criteria provided, single submitter. Criteria: ACMG Guidelines, 2015. Collection method: clinical testing. Allele origin: germline.